The following is an entry in ClinVar:

NM_000292.3(PHKA2):c.1489C>T (p.Arg497Ter)

Gene: PHKA2 (phosphorylase kinase regulatory subunit alpha 2; minus strand). Cytogenetic location: Xp22.13.
Variant type: single nucleotide variant.
Coding change: c.1489C>T on transcript NM_000292.3 (MANE Select); coding-DNA position 1489, C replaced by T.
Protein change: p.Arg497Ter; replaces arginine 497 with a stop codon.
Molecular consequence: nonsense.
Genome position (GRCh38, 1-based): chrX:18,925,748, G>A on the plus strand (C>T on the coding strand, the complement: PHKA2 is on the minus strand). VCF-style: chrX-18925748-G-A. GRCh37 (hg19) VCF-style: chrX-18943866-G-A.
Other names: short protein forms R497*.
Identifiers: ClinVar variation 3724089 (VCV003724089.2).

ClinVar aggregate classification (germline): Pathogenic (1 of 4 stars; one submission).

Conditions:
Glycogen storage disease IXa1. Also called: Glycogen storage disease 8; LIVER GLYCOGENOSIS, X-LINKED, TYPE I; GLYCOGEN STORAGE DISEASE VIII; GSD VIII. Identifiers: Orphanet 264580, MedGen C3694531, MONDO:0010598, OMIM 306000.

gnomAD v4.1: 3 of 1,189,828 alleles (0.00025%); highest among the groups gnomAD compares: Non-Finnish European, 0.00034%; no homozygotes.

Submission:

Labcorp Genetics (formerly Invitae), Labcorp
Classification: Pathogenic for Glycogen storage disease IXa1. Last evaluated: 2025-10-08. Review status: criteria provided, single submitter. Criteria: Invitae Variant Classification Sherloc (09022015). Collection method: clinical testing. Allele origin: germline.
Comment: This sequence change creates a premature translational stop signal (p.Arg497*) in the PHKA2 gene. It is expected to result in an absent or disrupted protein product. Loss-of-function variants in PHKA2 are known to be pathogenic (PMID: 7711737, 10330341). This variant is not present in population databases (gnomAD no frequency). This premature translational stop signal has been observed in individual(s) with hepatic phosphorylase kinase deficiency (PMID: 12862311). ClinVar contains an entry for this variant (Variation ID: 3724089). Algorithms developed to predict the effect of sequence changes on RNA splicing suggest that this variant may disrupt the consensus splice site. For these reasons, this variant has been classified as Pathogenic.

Literature cited by the submitters: PubMed 7711737; PubMed 10330341; PubMed 12862311.